The following is an entry in ClinVar:

ClinVar aggregate classification (germline): Pathogenic. Review status: criteria provided, multiple submitters, no conflicts (2 of 4 stars). 4 submissions from 4 submitters: Pathogenic (4). Last evaluated 2026-02-10.

Conditions:
Hereditary cancer-predisposing syndrome. Also called: Tumor predisposition; Hereditary Cancer Syndrome; Neoplastic Syndromes, Hereditary; Hereditary neoplastic syndrome. Identifiers: Orphanet 140162, MedGen C0027672, MeSH D009386, MONDO:0015356.
Familial cancer of breast. Also called: Hereditary breast cancer; BREAST CANCER, FAMILIAL; hereditary breast carcinoma. Identifiers: Orphanet 227535, MedGen C0346153, MONDO:0016419, OMIM 114480. Disease mechanism: loss of function.

Allele frequency attached by ClinVar (database versions not stated): gnomAD exomes below 0.00001.
gnomAD v4.1: 1 of 1,420,474 alleles (0.00007%); highest among the groups gnomAD compares: South Asian, 0.0012%; no homozygotes.

Submissions (4):

Ambry Genetics
Classification: Pathogenic for Hereditary cancer-predisposing syndrome. Last evaluated: 2026-02-10. Review status: criteria provided, single submitter. Criteria: Ambry Variant Classification Scheme 2023. Collection method: clinical testing. Allele origin: germline.
Comment: The p.L303* pathogenic mutation (also known as c.908T>A), located in coding exon 7 of the CHEK2 gene, results from a T to A substitution at nucleotide position 908. This changes the amino acid from a leucine to a stop codon within coding exon 7. This variant is considered to be rare based on population cohorts in the Genome Aggregation Database (gnomAD). This alteration is expected to result in loss of function by premature protein truncation or nonsense-mediated mRNA decay. As such, this alteration is interpreted as a disease-causing mutation.

Labcorp Genetics (formerly Invitae), Labcorp
Classification: Pathogenic for Familial cancer of breast. Last evaluated: 2025-09-23. Review status: criteria provided, single submitter. Criteria: Invitae Variant Classification Sherloc (09022015). Collection method: clinical testing. Allele origin: germline.
Comment: This sequence change creates a premature translational stop signal (p.Leu303*) in the CHEK2 gene. It is expected to result in an absent or disrupted protein product. Loss-of-function variants in CHEK2 are known to be pathogenic (PMID: 21876083, 24713400). This variant is not present in population databases (gnomAD no frequency). This variant has not been reported in the literature in individuals affected with CHEK2-related conditions. ClinVar contains an entry for this variant (Variation ID: 479545). For these reasons, this variant has been classified as Pathogenic.

Myriad Genetics, Inc.
Classification: Pathogenic for Familial cancer of breast. Last evaluated: 2023-06-27. Review status: criteria provided, single submitter. Criteria: Myriad Autosomal Dominant, Autosomal Recessive and X-Linked Classification Criteria (2023). Collection method: clinical testing. Allele origin: unknown.
Comment: This variant is considered pathogenic. This variant creates a termination codon and is predicted to result in premature protein truncation.

Quest Diagnostics Nichols Institute San Juan Capistrano
Classification: Pathogenic. Last evaluated: 2019-12-05. Review status: criteria provided, single submitter. Criteria: Quest Diagnostics criteria. Collection method: clinical testing. Allele origin: unknown.
Comment: The variant creates a premature nonsense codon, and is therefore predicted to result in the loss of a functional protein. Found in at least one patient with expected phenotype for this gene, and not found in general population data.

Literature cited by the submitters: PubMed 21876083 (cited by Labcorp Genetics (formerly Invitae), Labcorp); PubMed 24713400 (cited by Labcorp Genetics (formerly Invitae), Labcorp); PubMed 18297428 (cited by Quest Diagnostics Nichols Institute San Juan Capistrano); PubMed 21907711 (cited by Quest Diagnostics Nichols Institute San Juan Capistrano); PubMed 28553140 (cited by Quest Diagnostics Nichols Institute San Juan Capistrano).

NM_007194.4(CHEK2):c.908T>A (p.Leu303Ter)

Gene: CHEK2 (checkpoint kinase 2; minus strand). Cytogenetic location: 22q12.1.
Variant type: single nucleotide variant.
Coding change: c.908T>A on transcript NM_007194.4 (MANE Select); coding-DNA position 908, T replaced by A.
Protein change: p.Leu303Ter; replaces leucine 303 with a stop codon.
Molecular consequence: nonsense.
Genome position (GRCh38, 1-based): chr22:28,703,505, A>T on the plus strand (T>A on the coding strand, the complement: CHEK2 is on the minus strand). VCF-style: chr22-28703505-A-T. GRCh37 (hg19) VCF-style: chr22-29099493-A-T.
Other names: c.1037T>A, p.Leu346Ter (NM_001005735.3); c.245T>A, p.Leu82Ter (NM_001257387.3); c.707T>A, p.Leu236Ter (NM_001349956.3); c.908T>A, p.Leu303Ter (NM_145862.3); short protein forms L303*, L346*, L82*, L236*.
Identifiers: ClinVar variation 479545 (VCV000479545.10), dbSNP rs1233699096, ClinGen allele CA411100884.